The following is an entry in ClinVar:

NM_006486.3(FBLN1):c.353C>T (p.Ala118Val)

Gene: FBLN1 (fibulin 1; plus strand). Cytogenetic location: 22q13.31.
Variant type: single nucleotide variant.
Coding change: c.353C>T on transcript NM_006486.3 (MANE Select); coding-DNA position 353, C replaced by T.
Protein change: p.Ala118Val; replaces alanine 118 with valine.
Molecular consequence: missense variant.
Genome position (GRCh38, 1-based): chr22:45,527,878, C>T. VCF-style: chr22-45527878-C-T. GRCh37 (hg19) VCF-style: chr22-45923758-C-T.
Other names: c.353C>T, p.Ala118Val (NM_001996.4, NM_006485.4, NM_006487.3); c.353C>T (NM_006486.2); short protein forms A118V.
Identifiers: ClinVar variation 197279 (VCV000197279.7), dbSNP rs757837302, ClinGen allele CA245321.

ClinVar aggregate classification (germline): Uncertain significance. Review status: criteria provided, multiple submitters, no conflicts (2 of 4 stars). 3 submissions from 3 submitters: Uncertain significance (3). Last evaluated 2025-08-17.

Allele frequency attached by ClinVar (database versions not stated): gnomAD 0.00001; gnomAD exomes 0.00004 and 0.00017; TOPMed 0.00008; ExAC 0.00017.
gnomAD v4.1: 60 of 1,613,914 alleles (0.0037%); highest among the groups gnomAD compares: Admixed American, 0.08%; no homozygotes.

Submissions (3):

Labcorp Genetics (formerly Invitae), Labcorp
Classification: Uncertain significance. Last evaluated: 2025-08-17. Review status: criteria provided, single submitter. Criteria: Invitae Variant Classification Sherloc (09022015). Collection method: clinical testing. Allele origin: germline.
Comment: This sequence change replaces alanine, which is neutral and non-polar, with valine, which is neutral and non-polar, at codon 118 of the FBLN1 protein (p.Ala118Val). This variant is present in population databases (rs757837302, gnomAD 0.1%), and has an allele count higher than expected for a pathogenic variant. This variant has not been reported in the literature in individuals affected with FBLN1-related conditions. ClinVar contains an entry for this variant (Variation ID: 197279). An algorithm developed to predict the effect of missense changes on protein structure and function outputs the following: PolyPhen-2: "Benign". The valine amino acid residue is found in multiple mammalian species, which suggests that this missense change does not adversely affect protein function. In summary, the available evidence is currently insufficient to determine the role of this variant in disease. Therefore, it has been classified as a Variant of Uncertain Significance.

Ambry Genetics
Classification: Uncertain significance. Last evaluated: 2025-01-29. Review status: criteria provided, single submitter. Criteria: Ambry Variant Classification Scheme 2023. Collection method: clinical testing. Allele origin: germline.

Eurofins Ntd Llc (ga)
Classification: Uncertain significance. Last evaluated: 2015-05-22. Review status: criteria provided, single submitter. Criteria: EGL Classification Definitions 2015. Collection method: clinical testing. Allele origin: germline. Observed: 2 variant alleles, 2 heterozygotes.